The following is an entry in ClinVar:

ClinVar aggregate classification (germline): Uncertain significance (1 of 4 stars; one submission).

Submission:

GeneDx
Classification: Uncertain significance. Last evaluated: 2020-07-13. Review status: criteria provided, single submitter. Criteria: GeneDx Variant Classification Process June 2021. Collection method: clinical testing. Allele origin: germline. Affected: yes.
Comment: Not observed in large population cohorts (Lek et al., 2016); In silico analysis supports that this missense variant has a deleterious effect on protein structure/function; Has not been previously published as pathogenic or benign to our knowledge

NM_001083619.3(GRIA2):c.2081A>G (p.Tyr694Cys)

Gene: GRIA2 (glutamate ionotropic receptor AMPA type subunit 2; plus strand). Cytogenetic location: 4q32.1.
Variant type: single nucleotide variant.
Coding change: c.2081A>G on transcript NM_001083619.3 (MANE Select); coding-DNA position 2081, A replaced by G.
Protein change: p.Tyr694Cys; replaces tyrosine 694 with cysteine.
Molecular consequence: missense variant.
Genome position (GRCh38, 1-based): chr4:157,359,933, A>G. VCF-style: chr4-157359933-A-G. GRCh37 (hg19) VCF-style: chr4-158281085-A-G.
Other names: c.2081A>G, p.Tyr694Cys (NM_000826.6); c.1940A>G, p.Tyr647Cys (NM_001083620.3, NM_001379000.3, NM_001379001.3); short protein forms Y647C, Y694C.
Identifiers: ClinVar variation 1320832 (VCV001320832.2), dbSNP rs1736562146, ClinGen allele CA358649851.